The following is an entry in ClinVar:

NM_004226.4(STK17B):c.516C>T (p.Leu172=)

Gene: STK17B (serine/threonine kinase 17b; minus strand). Cytogenetic location: 2q32.3.
Variant type: single nucleotide variant.
Coding change: c.516C>T on transcript NM_004226.4 (MANE Select); coding-DNA position 516, C replaced by T.
Protein change: p.Leu172=; no amino-acid change (leucine 172 retained).
Molecular consequence: synonymous variant.
Genome position (GRCh38, 1-based): chr2:196,143,651, G>A on the plus strand (C>T on the coding strand, the complement: STK17B is on the minus strand). VCF-style: chr2-196143651-G-A. GRCh37 (hg19) VCF-style: chr2-197008375-G-A.
Identifiers: ClinVar variation 5039474 (VCV005039474.1).

ClinVar aggregate classification (germline): Likely benign (1 of 4 stars; one submission).

Submission:

CeGaT Center for Human Genetics Tuebingen
Classification: Likely benign. Last evaluated: 2026-08-01. Review status: criteria provided, single submitter. Criteria: CeGaT Center For Human Genetics Tuebingen Variant Classification Criteria Version 2. Collection method: clinical testing. Allele origin: germline. Affected: yes. Observed: 1 variant allele.
Comment: STK17B: BP4, BP7